The following is an entry in ClinVar:

ClinVar aggregate classification (germline): Conflicting classifications of pathogenicity. Review status: criteria provided, conflicting classifications (1 of 4 stars). 5 submissions from 5 submitters: Uncertain significance (3); Likely benign (1). 1 of the submissions does not count toward it. Last evaluated 2024-11-12.

Conditions:
FUS-related disorder. Also called: FUS-related condition.
Amyotrophic lateral sclerosis type 6. Also called: Amyotrophic lateral sclerosis 6, with or without frontotemporal dementia; FUS-Related Amyotrophic Laterial Sclerosis; AMYOTROPHIC LATERAL SCLEROSIS 6 WITHOUT FRONTOTEMPORAL DEMENTIA. Identifiers: Orphanet 275872, Orphanet 803, MedGen C2931786, MONDO:0011951, OMIM 608030.
Tremor, hereditary essential, 4 (ETM4). Identifiers: MedGen C3539195, MONDO:0013888, OMIM 614782.
Inborn genetic diseases. Identifiers: MedGen C0950123, MeSH D030342.

Allele frequency attached by ClinVar (database versions not stated): gnomAD exomes 0.00003 and 0.00007; ExAC 0.00004; gnomAD 0.00010; TOPMed 0.00011; ESP Exome Variant Server 0.00040.

Submissions (5):

Labcorp Genetics (formerly Invitae), Labcorp
Classification: Uncertain significance for Tremor, hereditary essential, 4; Amyotrophic lateral sclerosis type 6. Last evaluated: 2024-11-12. Review status: criteria provided, single submitter. Criteria: Invitae Variant Classification Sherloc (09022015). Collection method: clinical testing. Allele origin: germline.
Comment: This variant, c.661_663del, results in the deletion of 1 amino acid(s) of the FUS protein (p.Ser221del), but otherwise preserves the integrity of the reading frame. This variant is present in population databases (rs746633090, gnomAD 0.02%). This variant has been observed in individual(s) with amyotrophic lateral sclerosis (PMID: 22722621; internal data). ClinVar contains an entry for this variant (Variation ID: 503718). Experimental studies and prediction algorithms are not available or were not evaluated, and the functional significance of this variant is currently unknown. In summary, the available evidence is currently insufficient to determine the role of this variant in disease. Therefore, it has been classified as a Variant of Uncertain Significance.

Mayo Clinic Laboratories, Mayo Clinic
Classification: Uncertain significance. Last evaluated: 2023-12-07. Review status: criteria provided, single submitter. Criteria: ACMG Guidelines, 2015. Collection method: clinical testing. Allele origin: germline. Observed: 1 variant allele.
Comment: BS2, PM4

Ambry Genetics
Classification: Likely benign for Inborn genetic diseases. Last evaluated: 2020-09-02. Review status: criteria provided, single submitter. Criteria: Ambry Variant Classification Scheme 2023. Collection method: clinical testing. Allele origin: germline.

GeneDx
Classification: Uncertain significance. Last evaluated: 2018-02-02. Review status: criteria provided, single submitter. Criteria: GeneDx Variant Classification (06012015). Collection method: clinical testing. Allele origin: germline. Affected: yes.
Comment: The c.661_663delAGT variant in the FUS gene has been reported previously in an individual with amyotrophic lateral sclerosis, however, family segregation studies were not completed (Lattante et al., 2012). The c.661_663delAGT variant is observed in 5/23170 (0.02%) alleles from individuals of African background and 12/264602 total alleles in large population cohorts (Lek et al., 2016). The c.661_663delAGT variant causes an in-frame 3 base pair deletion, causing the loss of one Serine residue at position 221 in the protein, denoted p.Ser221del. In-silico analyses, including protein predictors and evolutionary conservation, support that this variant does not alter protein structure/function. We interpret c.661_663delAGT as a variant of uncertain significance.

PreventionGenetics, part of Exact Sciences
Classification: Likely benign for FUS-related condition. Last evaluated: 2023-03-24. Review status: no assertion criteria provided. Collection method: clinical testing. Allele origin: germline. Not counted in ClinVar's aggregate classification.
Comment: This variant is classified as likely benign based on ACMG/AMP sequence variant interpretation guidelines (Richards et al. 2015 PMID: 25741868, with internal and published modifications).

Literature cited by the submitters: PubMed 22722621 (cited by 3 submitters); PubMed 20385912 (cited by Mayo Clinic Laboratories, Mayo Clinic and Ambry Genetics).

NM_004960.4(FUS):c.661_663del (p.Ser221del)

Gene: FUS (FUS RNA binding protein; plus strand). Cytogenetic location: 16p11.2.
Variant type: Deletion.
Coding change: c.661_663del on transcript NM_004960.4 (MANE Select); coding-DNA positions 661 to 663, 3 bases deleted (AGT; older notation c.661_663delAGT).
Protein change: p.Ser221del; deletes serine 221.
Molecular consequence: inframe deletion. On other transcripts: non-coding transcript variant (1).
Genome position (GRCh38, 1-based): chr16:31,185,076-31,185,078, AGT deleted. VCF-style (leftmost placement, unchanged base first): chr16-31185075-CAGT-C. GRCh37 (hg19) VCF-style: chr16-31196396-CAGT-C.
Other names: p.Ser221del; c.661_663del (NM_004960.3); c.658_660del, p.Ser220del (NM_001170634.1); c.649_651del, p.Ser217del (NM_001170937.1); c.661_663delAGT (NM_004960.3); short protein forms S221del, S217del, S220del.
Identifiers: ClinVar variation 503718 (VCV000503718.15), dbSNP rs746633090, ClinGen allele CA8023732.
Genomic context (GRCh38, chr16:31,185,075, plus strand): 5'-TGGTGGAGGTGGCAGCGGTGGCTATGGACAGCAGGACCGTGGAGGCCGCGGCAGGGGTGG[CAGT>C]GGTGGCGGCGGCGGCGGCGGCGGTGGTGGTTACAACCGCAGCAGTGGTGGCTATGAACCC-3'